The following is an entry in ClinVar:

NM_000264.5(PTCH1):c.2035G>A (p.Ala679Thr)

Genes: PTCH1 (patched 1; minus strand), LOC100507346 (uncharacterized LOC100507346; plus strand). Cytogenetic location: 9q22.32.
Variant type: single nucleotide variant.
Coding change: c.2035G>A on transcript NM_000264.5 (MANE Select); coding-DNA position 2035, G replaced by A.
Protein change: p.Ala679Thr; replaces alanine 679 with threonine.
Molecular consequence: missense variant. On other transcripts: non-coding transcript variant (2).
Genome position (GRCh38, 1-based): chr9:95,468,966, C>T on the plus strand (G>A on the coding strand, the complement: PTCH1 is on the minus strand). VCF-style: chr9-95468966-C-T. GRCh37 (hg19) VCF-style: chr9-98231248-C-T.
Other names: c.1837G>A, p.Ala613Thr (NM_001083602.3); c.2032G>A, p.Ala678Thr (NM_001083603.3); c.1582G>A, p.Ala528Thr (NM_001083604.3, NM_001083605.3, NM_001083606.3 and 1 more transcripts); c.1879G>A, p.Ala627Thr (NM_001354918.2); short protein forms A613T, A679T, A627T, A678T, A528T.
Identifiers: ClinVar variation 216376 (VCV000216376.12), dbSNP rs771882746, ClinGen allele CA335838.

ClinVar aggregate classification (germline): Conflicting classifications of pathogenicity. Review status: criteria provided, conflicting classifications (1 of 4 stars). 2 submissions from 2 submitters: Uncertain significance (1); Likely benign (1). Last evaluated 2025-10-07.

Conditions:
Hereditary cancer-predisposing syndrome. Also called: Tumor predisposition; Hereditary Cancer Syndrome; Neoplastic Syndromes, Hereditary; Hereditary neoplastic syndrome. Identifiers: Orphanet 140162, MedGen C0027672, MeSH D009386, MONDO:0015356.
Gorlin syndrome. Also called: Nevoid Basal Cell Carcinoma Syndrome; Basal cell nevus syndrome. Identifiers: Orphanet 377, MedGen C0004779, MONDO:0007187.

Allele frequency attached by ClinVar (database versions not stated): gnomAD exomes below 0.00001; ExAC 0.00001; gnomAD 0.00001; TOPMed 0.00003.
gnomAD v4.1: 8 of 1,613,860 alleles (0.0005%); highest among the groups gnomAD compares: Admixed American, 0.0033%; no homozygotes.

Submissions (2):

Labcorp Genetics (formerly Invitae), Labcorp
Classification: Likely benign for Gorlin syndrome. Last evaluated: 2025-10-07. Review status: criteria provided, single submitter. Criteria: Invitae Variant Classification Sherloc (09022015). Collection method: clinical testing. Allele origin: germline.

Ambry Genetics
Classification: Uncertain significance for Hereditary cancer-predisposing syndrome. Last evaluated: 2024-04-15. Review status: criteria provided, single submitter. Criteria: Ambry Variant Classification Scheme 2023. Collection method: clinical testing. Allele origin: germline.
Comment: The p.A679T variant (also known as c.2035G>A), located in coding exon 14 of the PTCH1 gene, results from a G to A substitution at nucleotide position 2035. The alanine at codon 679 is replaced by threonine, an amino acid with similar properties. This amino acid position is conserved. In addition, the in silico prediction for this alteration is inconclusive. Since supporting evidence is limited at this time, the clinical significance of this alteration remains unclear.